The following is an entry in ClinVar:

ClinVar aggregate classification (germline): Pathogenic (1 of 4 stars; one submission).

Conditions:
Intellectual developmental disorder with seizures and language delay (IDDSELD). Identifiers: MedGen C5436574, MONDO:0033559, OMIM 619000.

Submission:

Institute of Human Genetics, University of Leipzig Medical Center
Classification: Pathogenic for Intellectual developmental disorder with seizures and language delay. Last evaluated: 2026-05-29. Review status: criteria provided, single submitter. Criteria: ACMG Guidelines, 2015. Collection method: clinical testing. Allele origin: unknown. Inheritance: Autosomal dominant inheritance. Affected: yes.
Comment: Criteria applied: PVS1,PM2

NM_001353345.2(SETD1B):c.2326C>T (p.Gln776Ter)

Gene: SETD1B (SET domain containing 1B, histone lysine methyltransferase; plus strand). Cytogenetic location: 12q24.31.
Variant type: single nucleotide variant.
Coding change: c.2326C>T on transcript NM_001353345.2 (MANE Select); coding-DNA position 2326, C replaced by T.
Protein change: p.Gln776Ter; replaces glutamine 776 with a stop codon.
Molecular consequence: nonsense.
Genome position (GRCh38, 1-based): chr12:121,814,541, C>T. VCF-style: chr12-121814541-C-T. GRCh37 (hg19) VCF-style: chr12-122252447-C-T.
Other names: short protein forms Q776*.
Identifiers: ClinVar variation 4857412 (VCV004857412.1).